The following is an entry in ClinVar:

ClinVar aggregate classification (germline): Likely benign. Review status: criteria provided, multiple submitters, no conflicts (2 of 4 stars). 2 submissions from 2 submitters: Likely benign (2). Last evaluated 2018-11-14.

Conditions:
Ataxia-telangiectasia syndrome (AT). Also called: Cerebello-oculocutaneous telangiectasia; Immunodeficiency with ataxia telangiectasia; AT, COMPLEMENTATION GROUP C; Ataxia-telangiectasia, complementation group D; LOUIS-BAR SYNDROME; Ataxia-telangiectasia, complementation group E. Identifiers: Orphanet 100, MedGen C0004135, MONDO:0008840, OMIM 208900.

Submissions (2):

Labcorp Genetics (formerly Invitae), Labcorp
Classification: Likely benign for Ataxia-telangiectasia syndrome. Last evaluated: 2018-11-14. Review status: criteria provided, single submitter. Criteria: Invitae Variant Classification Sherloc (09022015). Collection method: clinical testing. Allele origin: germline.

GeneDx
Classification: Likely benign. Last evaluated: 2017-04-20. Review status: criteria provided, single submitter. Criteria: GeneDx Variant Classification (06012015). Collection method: clinical testing. Allele origin: germline. Affected: yes.
Comment: This variant is considered likely benign or benign based on one or more of the following criteria: it is a conservative change, it occurs at a poorly conserved position in the protein, it is predicted to be benign by multiple in silico algorithms, and/or has population frequency not consistent with disease.

NM_000051.4(ATM):c.3284+9T>C

Gene: ATM (ATM serine/threonine kinase; plus strand). Cytogenetic location: 11q22.3.
Variant type: single nucleotide variant.
Coding change: c.3284+9T>C on transcript NM_000051.4 (MANE Select); 9 bases into the intron after coding-DNA position 3284, T replaced by C.
Molecular consequence: intron variant.
Genome position (GRCh38, 1-based): chr11:108,272,861, T>C. VCF-style: chr11-108272861-T-C. GRCh37 (hg19) VCF-style: chr11-108143588-T-C.
Other names: c.3284+9T>C (NM_001351834.2).
Identifiers: ClinVar variation 509110 (VCV000509110.8), dbSNP rs1555086278, ClinGen allele CA658797793.